The following is an entry in ClinVar:

ClinVar aggregate classification (germline): Uncertain significance. Review status: criteria provided, multiple submitters, no conflicts (2 of 4 stars). 3 submissions from 3 submitters: Uncertain significance (3). Last evaluated 2025-06-06.

Conditions:
Retinal dystrophy. Also called: Inherited retinal dystrophy. Identifiers: Orphanet 71862, MedGen C0854723, MeSH D058499, MONDO:0019118, HP:0000556.

gnomAD v4.1: 28 of 1,597,986 alleles (0.0018%); highest among the groups gnomAD compares: East Asian, 0.063%; no homozygotes.

Submissions (3):

Ocular Genomics Institute, Massachusetts Eye and Ear
Classification: Uncertain significance for Retinal dystrophy. Last evaluated: 2025-06-06. Review status: criteria provided, single submitter. Criteria: ACMG Guidelines, 2015. Collection method: research. Allele origin: germline. Affected: yes. Observed: 1 variant allele.
Comment: The NM_144643.4 c.439G>T, p.(Ala147Ser) is a missense variant in SCLT1. This variant is rare in GnomADv4 (PM2).

Labcorp Genetics (formerly Invitae), Labcorp
Classification: Uncertain significance. Last evaluated: 2024-10-12. Review status: criteria provided, single submitter. Criteria: Invitae Variant Classification Sherloc (09022015). Collection method: clinical testing. Allele origin: germline.
Comment: This sequence change replaces alanine, which is neutral and non-polar, with serine, which is neutral and polar, at codon 147 of the SCLT1 protein (p.Ala147Ser). This variant is present in population databases (rs754803117, gnomAD 0.04%). This variant has not been reported in the literature in individuals affected with SCLT1-related conditions. An algorithm developed to predict the effect of missense changes on protein structure and function (PolyPhen-2) suggests that this variant is likely to be disruptive. In summary, the available evidence is currently insufficient to determine the role of this variant in disease. Therefore, it has been classified as a Variant of Uncertain Significance.

Blueprint Genetics
Classification: Uncertain significance. Last evaluated: 2023-12-14. Review status: criteria provided, single submitter. Criteria: ACMG Guidelines, 2015. Collection method: clinical testing. Allele origin: germline.

Literature cited by the submitters: PubMed 40470183 (cited by Ocular Genomics Institute, Massachusetts Eye and Ear).

NM_144643.4(SCLT1):c.439G>T (p.Ala147Ser)

Gene: SCLT1 (sodium channel and clathrin linker 1; minus strand). Cytogenetic location: 4q28.2.
Variant type: single nucleotide variant.
Coding change: c.439G>T on transcript NM_144643.4 (MANE Select); coding-DNA position 439, G replaced by T.
Protein change: p.Ala147Ser; replaces alanine 147 with serine.
Molecular consequence: missense variant.
Genome position (GRCh38, 1-based): chr4:128,999,782, C>A on the plus strand (G>T on the coding strand, the complement: SCLT1 is on the minus strand). VCF-style: chr4-128999782-C-A. GRCh37 (hg19) VCF-style: chr4-129920937-C-A.
Other names: c.439G>T, p.Ala147Ser (NM_001410807.1); short protein forms A147S.
Identifiers: ClinVar variation 3607493 (VCV003607493.4).